The following is an entry in ClinVar:

ClinVar aggregate classification (germline): Uncertain significance. Review status: criteria provided, multiple submitters, no conflicts (2 of 4 stars). 2 submissions from 2 submitters: Uncertain significance (2). Last evaluated 2024-11-11.

Conditions:
Meckel-Gruber syndrome. Also called: DYSENCEPHALIA SPLANCHNOCYSTICA; GRUBER SYNDROME; Dysencephalia splachnocystica. Identifiers: Orphanet 564, MedGen C0265215, MONDO:0018921.
Joubert syndrome. Also called: CEREBELLOPARENCHYMAL DISORDER IV; JOUBERT-BOLTSHAUSER SYNDROME; Familial aplasia of the vermis. Identifiers: Orphanet 475, MedGen C5979921, MONDO:0018772.
COACH syndrome 1. Identifiers: Orphanet 1454, MedGen C5435651, MONDO:0800103, OMIM 216360, MONDO:0008996.
Nephronophthisis 11 (NPHP11). Identifiers: Orphanet 84081, MedGen C3150796, MONDO:0013302, OMIM 613550.
Bardet-Biedl syndrome 14 (BBS14). Identifiers: Orphanet 110, MedGen C2673874, MONDO:0014442, OMIM 615991.
Joubert syndrome 6 (JBTS6). Identifiers: Orphanet 475, MedGen C1853153, MONDO:0012539, OMIM 610688.
RHYNS syndrome. Also called: RETINITIS PIGMENTOSA SYNDROME; RETINITIS PIGMENTOSA, HYPOPITUITARISM, NEPHRONOPHTHISIS, AND MILD SKELETAL DYSPLASIA. Identifiers: Orphanet 140976, MedGen C1865794, MONDO:0011202, OMIM 602152.
Meckel syndrome, type 3 (MKS3). Also called: MECKEL-GRUBER SYNDROME, TYPE 3. Identifiers: Orphanet 564, MedGen C1846357, MONDO:0011821, OMIM 607361.

Allele frequency attached by ClinVar (database versions not stated): gnomAD exomes below 0.00001 and 0.00001.
gnomAD v4.1: 8 of 1,607,138 alleles (0.0005%); highest among the groups gnomAD compares: Admixed American, 0.0017%; no homozygotes.

Submissions (2):

Labcorp Genetics (formerly Invitae), Labcorp
Classification: Uncertain significance for Joubert syndrome; Meckel-Gruber syndrome. Last evaluated: 2024-11-11. Review status: criteria provided, single submitter. Criteria: Invitae Variant Classification Sherloc (09022015). Collection method: clinical testing. Allele origin: germline.
Comment: This sequence change replaces methionine, which is neutral and non-polar, with threonine, which is neutral and polar, at codon 515 of the TMEM67 protein (p.Met515Thr). The frequency data for this variant in the population databases is considered unreliable, as metrics indicate poor data quality at this position in the gnomAD database. This variant has not been reported in the literature in individuals affected with TMEM67-related conditions. ClinVar contains an entry for this variant (Variation ID: 1497885). Invitae Evidence Modeling of protein sequence and biophysical properties (such as structural, functional, and spatial information, amino acid conservation, physicochemical variation, residue mobility, and thermodynamic stability) indicates that this missense variant is expected to disrupt TMEM67 protein function with a positive predictive value of 95%. In summary, the available evidence is currently insufficient to determine the role of this variant in disease. Therefore, it has been classified as a Variant of Uncertain Significance.

Fulgent Genetics
Classification: Uncertain significance for COACH syndrome 1; RHYNS syndrome; Meckel syndrome, type 3; Joubert syndrome 6; Nephronophthisis 11; Bardet-Biedl syndrome 14. Last evaluated: 2024-04-10. Review status: criteria provided, single submitter. Criteria: ACMG Guidelines, 2015. Collection method: clinical testing. Allele origin: germline.

NM_153704.6(TMEM67):c.1544T>C (p.Met515Thr)

Gene: TMEM67 (transmembrane protein 67; plus strand). Cytogenetic location: 8q22.1.
Variant type: single nucleotide variant.
Coding change: c.1544T>C on transcript NM_153704.6 (MANE Select); coding-DNA position 1544, T replaced by C.
Protein change: p.Met515Thr; replaces methionine 515 with threonine.
Molecular consequence: missense variant. On other transcripts: non-coding transcript variant (1).
Genome position (GRCh38, 1-based): chr8:93,791,288, T>C. VCF-style: chr8-93791288-T-C. GRCh37 (hg19) VCF-style: chr8-94803516-T-C.
Other names: c.1301T>C, p.Met434Thr (NM_001142301.1); short protein forms M515T, M434T.
Identifiers: ClinVar variation 1497885 (VCV001497885.7), dbSNP rs1329676384, ClinGen allele CA371690887.
Genomic context (GRCh38, chr8:93,791,288, plus strand): 5'-TCAGTATAGCTAATTTGTTTTGTTTTAAATATCAGGTTTCTTTCTCAGTCACATATGAAA[T>C]GGATCATGGAGAAGCACATGTCCAGACAGATGTAAGTTTATTTTAACCTTTTAAAATATA-3'
Protein context (NP_714915.3, residues 505-525): VKVSFSVTYE[Met515Thr]DHGEAHVQTD